The following is an entry in ClinVar:

NM_020778.5(ALPK3):c.4882C>T (p.Pro1628Ser)

Gene: ALPK3 (alpha kinase 3; plus strand). Cytogenetic location: 15q25.3.
Variant type: single nucleotide variant.
Coding change: c.4882C>T on transcript NM_020778.5 (MANE Select); coding-DNA position 4882, C replaced by T.
Protein change: p.Pro1628Ser; replaces proline 1628 with serine.
Molecular consequence: missense variant.
Genome position (GRCh38, 1-based): chr15:84,868,220, C>T. VCF-style: chr15-84868220-C-T. GRCh37 (hg19) VCF-style: chr15-85411451-C-T.
Other names: short protein forms P1628S.
Identifiers: ClinVar variation 1747829 (VCV001747829.7), dbSNP rs1273182701, ClinGen allele CA393365754.

ClinVar aggregate classification (germline): Uncertain significance. Review status: criteria provided, multiple submitters, no conflicts (2 of 4 stars). 3 submissions from 3 submitters: Uncertain significance (3). Last evaluated 2025-09-30.

Conditions:
Cardiovascular phenotype. Identifiers: MedGen CN230736.

Allele frequency attached by ClinVar (database versions not stated): gnomAD exomes below 0.00001; TOPMed 0.00002; gnomAD 0.00004.
gnomAD v4.1: 14 of 1,614,056 alleles (0.00087%); highest among the groups gnomAD compares: Non-Finnish European, 0.0011%; no homozygotes.

Submissions (3):

Labcorp Genetics (formerly Invitae), Labcorp
Classification: Uncertain significance. Last evaluated: 2025-09-30. Review status: criteria provided, single submitter. Criteria: Invitae Variant Classification Sherloc (09022015). Collection method: clinical testing. Allele origin: germline.
Comment: This sequence change replaces proline, which is neutral and non-polar, with serine, which is neutral and polar, at codon 1830 of the ALPK3 protein (p.Pro1830Ser). This variant is present in population databases (no rsID available, gnomAD 0.0009%). This variant has not been reported in the literature in individuals affected with ALPK3-related conditions. ClinVar contains an entry for this variant (Variation ID: 1747829). An algorithm developed to predict the effect of missense changes on protein structure and function outputs the following: PolyPhen-2: "Benign". The serine amino acid residue is found in multiple mammalian species, which suggests that this missense change does not adversely affect protein function. In summary, the available evidence is currently insufficient to determine the role of this variant in disease. Therefore, it has been classified as a Variant of Uncertain Significance.

Ambry Genetics
Classification: Uncertain significance for Cardiovascular phenotype. Last evaluated: 2025-05-18. Review status: criteria provided, single submitter. Criteria: Ambry Variant Classification Scheme 2023. Collection method: clinical testing. Allele origin: germline.
Comment: The p.P1830S variant (also known as c.5488C>T), located in coding exon 14 of the ALPK3 gene, results from a C to T substitution at nucleotide position 5488. The proline at codon 1830 is replaced by serine, an amino acid with similar properties. This amino acid position is conserved. In addition, this alteration is predicted to be tolerated by in silico analysis. Since supporting evidence is limited at this time, the clinical significance of this alteration remains unclear.

Women's Health and Genetics/Laboratory Corporation of America, LabCorp
Classification: Uncertain significance. Last evaluated: 2025-03-14. Review status: criteria provided, single submitter. Criteria: LabCorp Variant Classification Summary - May 2015. Collection method: clinical testing. Allele origin: germline.